The following is an entry in ClinVar:

ClinVar aggregate classification (germline): Likely benign. Review status: criteria provided, single submitter (1 of 4 stars). 2 submissions from 2 submitters: Likely benign (1). 1 of the submissions does not count toward it. Last evaluated 2025-02-01.

Conditions:
MUC16-related disorder. Also called: MUC16-related condition.

Allele frequency attached by ClinVar (database versions not stated): 1000 Genomes Project 30x 0.00172; TOPMed 0.00174; 1000 Genomes Project 0.00220; ESP Exome Variant Server 0.00276; gnomAD 0.00298; ExAC 0.00473.

Submissions (2):

CeGaT Center for Human Genetics Tuebingen
Classification: Likely benign. Last evaluated: 2025-02-01. Review status: criteria provided, single submitter. Criteria: CeGaT Center For Human Genetics Tuebingen Variant Classification Criteria Version 2. Collection method: clinical testing. Allele origin: germline. Affected: yes. Observed: 2 variant alleles.
Comment: MUC16: BP4, BS2

PreventionGenetics, part of Exact Sciences
Classification: Benign for MUC16-related condition. Last evaluated: 2019-05-10. Review status: no assertion criteria provided. Collection method: clinical testing. Allele origin: germline. Not counted in ClinVar's aggregate classification.
Comment: This variant is classified as benign based on ACMG/AMP sequence variant interpretation guidelines (Richards et al. 2015 PMID: 25741868, with internal and published modifications).

NM_001401501.2(MUC16):c.45209G>A (p.Arg15070Lys)

Gene: MUC16 (mucin 16, cell surface associated; minus strand). Cytogenetic location: 19p13.2.
Variant type: single nucleotide variant.
Coding change: c.45209G>A on transcript NM_001401501.2 (MANE Select); coding-DNA position 45209, G replaced by A.
Protein change: p.Arg15070Lys; replaces arginine 15070 with lysine.
Molecular consequence: missense variant.
Genome position (GRCh38, 1-based): chr19:8,863,312, C>T on the plus strand (G>A on the coding strand, the complement: MUC16 is on the minus strand). VCF-style: chr19-8863312-C-T. GRCh37 (hg19) VCF-style: chr19-8973988-C-T.
Other names: c.45635G>A, p.Arg15212Lys (NM_001414686.1); c.45089G>A, p.Arg15030Lys (NM_001414687.1); c.42683G>A, p.Arg14228Lys (NM_024690.2); short protein forms R14228K, R15030K, R15070K, R15212K.
Identifiers: ClinVar variation 2649216 (VCV002649216.25), dbSNP rs61745929, ClinGen allele CA9162302.